The following is an entry in ClinVar:

NM_006767.4(LZTR1):c.254G>T (p.Gly85Val)

Gene: LZTR1 (leucine zipper like post translational regulator 1; plus strand). Cytogenetic location: 22q11.21.
Variant type: single nucleotide variant.
Coding change: c.254G>T on transcript NM_006767.4 (MANE Select); coding-DNA position 254, G replaced by T.
Protein change: p.Gly85Val; replaces glycine 85 with valine.
Molecular consequence: missense variant.
Genome position (GRCh38, 1-based): chr22:20,983,080, G>T. VCF-style: chr22-20983080-G-T. GRCh37 (hg19) VCF-style: chr22-21337369-G-T.
Other names: short protein forms G85V.
Identifiers: ClinVar variation 3238263 (VCV003238263.1), dbSNP rs2518608669.

ClinVar aggregate classification (germline): Uncertain significance (1 of 4 stars; one submission).

Conditions:
Hereditary cancer-predisposing syndrome. Also called: Neoplastic Syndromes, Hereditary; Tumor predisposition; Hereditary neoplastic syndrome; Hereditary Cancer Syndrome. Identifiers: Orphanet 140162, MedGen C0027672, MeSH D009386, MONDO:0015356.
Cardiovascular phenotype. Identifiers: MedGen CN230736.

Submission:

Ambry Genetics
Classification: Uncertain significance for Cardiovascular phenotype; Hereditary cancer-predisposing syndrome. Last evaluated: 2023-12-04. Review status: criteria provided, single submitter. Criteria: Ambry Variant Classification Scheme 2023. Collection method: clinical testing. Allele origin: germline.
Comment: The p.G85V variant (also known as c.254G>T), located in coding exon 2 of the LZTR1 gene, results from a G to T substitution at nucleotide position 254. The glycine at codon 85 is replaced by valine, an amino acid with dissimilar properties. This amino acid position is highly conserved in available vertebrate species. In addition, this alteration is predicted to be deleterious by in silico analysis. Since supporting evidence is limited at this time, the clinical significance of this alteration remains unclear.